The following is an entry in ClinVar:

ClinVar aggregate classification (germline): Uncertain significance (1 of 4 stars; one submission).

Conditions:
Oto-palato-digital syndrome, type II (OPD2). Also called: FACIOPALATOOSSEOUS SYNDROME; OPD II SYNDROME; Otopalatodigital Syndrome, Type II; Otopalatodigital Syndrome Type 2 (FLNA-OPD2). Identifiers: Orphanet 669, Orphanet 90652, MedGen C1844696, MONDO:0010571, OMIM 304120.
Heterotopia, periventricular, X-linked dominant (PVNH1). Also called: PERIVENTRICULAR NODULAR HETEROTOPIA 1; X-linked periventricular heterotopia; PERIVENTRICULAR NODULAR HETEROTOPIA 4; HETEROTOPIA, PERIVENTRICULAR, 1. Identifiers: Orphanet 2149, Orphanet 82004, MedGen C1848213, MONDO:0010233, OMIM 300049.
Frontometaphyseal dysplasia (FMD1). Identifiers: Orphanet 1826, MedGen C0265293, MONDO:0015942.
Melnick-Needles syndrome (MNS). Also called: MELNICK-NEEDLES OSTEODYSPLASTY; OSTEODYSPLASTY OF MELNICK AND NEEDLES; Melnick-Needles Syndrome (FLNA-MNS). Identifiers: Orphanet 2484, MedGen C0025237, MONDO:0010650, OMIM 309350.

Submission:

Labcorp Genetics (formerly Invitae), Labcorp
Classification: Uncertain significance for Oto-palato-digital syndrome, type II; Heterotopia, periventricular, X-linked dominant; Frontometaphyseal dysplasia; Melnick-Needles syndrome. Last evaluated: 2022-12-03. Review status: criteria provided, single submitter. Criteria: Invitae Variant Classification Sherloc (09022015). Collection method: clinical testing. Allele origin: germline.
Comment: In summary, the available evidence is currently insufficient to determine the role of this variant in disease. Therefore, it has been classified as a Variant of Uncertain Significance. Variants that disrupt the consensus splice site are a relatively common cause of aberrant splicing (PMID: 17576681, 9536098). Algorithms developed to predict the effect of sequence changes on RNA splicing suggest that this variant is not likely to affect RNA splicing. This variant has not been reported in the literature in individuals affected with FLNA-related conditions. This variant is not present in population databases (gnomAD no frequency). This sequence change falls in intron 21 of the FLNA gene. It does not directly change the encoded amino acid sequence of the FLNA protein. It affects a nucleotide within the consensus splice site.

Literature cited by the submitters: PubMed 17576681; PubMed 9536098.

NM_001110556.2(FLNA):c.3207+6del

Gene: FLNA (filamin A; minus strand). Cytogenetic location: Xq28.
Variant type: Deletion.
Coding change: c.3207+6del on transcript NM_001110556.2 (MANE Select); 6 bases into the intron after coding-DNA position 3207, one base deleted (T; older notation c.3207+6delT).
Molecular consequence: intron variant.
Genome position (GRCh38, 1-based): chrX:154,361,302, A deleted on the plus strand (T on the coding strand, the reverse complement: FLNA is on the minus strand); the first of 2 consecutive A bases (chrX:154,361,302-154,361,303); deleting either gives the same sequence. VCF-style (leftmost placement, unchanged base first): chrX-154361301-CA-C. GRCh37 (hg19) VCF-style: chrX-153589669-CA-C.
Other names: c.3207+6del (NM_001456.4).
Identifiers: ClinVar variation 2942015 (VCV002942015.3), dbSNP rs2522744698, ClinGen allele CA2740090187.